The following is an entry in ClinVar:

ClinVar aggregate classification (germline): Uncertain significance (1 of 4 stars; one submission).

Conditions:
Hyperkalemic periodic paralysis. Also called: Familial hyperkalemic periodic paralysis; Gamstorp disease. Identifiers: Orphanet 682, MedGen C0238357, MONDO:0008224, OMIM 170500, HP:0007215.

Submission:

Labcorp Genetics (formerly Invitae), Labcorp
Classification: Uncertain significance for Hyperkalemic periodic paralysis. Last evaluated: 2025-09-08. Review status: criteria provided, single submitter. Criteria: Invitae Variant Classification Sherloc (09022015). Collection method: clinical testing. Allele origin: germline.
Comment: This sequence change falls in intron 4 of the SCN4A gene. It does not directly change the encoded amino acid sequence of the SCN4A protein. It affects a nucleotide within the consensus splice site. This variant is not present in population databases (gnomAD no frequency). This variant has not been reported in the literature in individuals affected with SCN4A-related conditions. Variants that disrupt the consensus splice site are a relatively common cause of aberrant splicing (PMID: 17576681, 9536098). Algorithms developed to predict the effect of sequence changes on RNA splicing suggest that this variant is not likely to affect RNA splicing. In summary, the available evidence is currently insufficient to determine the role of this variant in disease. Therefore, it has been classified as a Variant of Uncertain Significance.

Literature cited by the submitters: PubMed 17576681; PubMed 9536098.

NM_000334.4(SCN4A):c.611+3_611+7delinsAACC

Gene: SCN4A (sodium voltage-gated channel alpha subunit 4; minus strand). Cytogenetic location: 17q23.3.
Variant type: Indel.
Coding change: c.611+3_611+7delinsAACC on transcript NM_000334.4 (MANE Select); bases 3 to 7 of the intron after coding-DNA position 611, GAGCA replaced by AACC.
Molecular consequence: intron variant.
Genome position (GRCh38, 1-based): chr17:63,971,715-63,971,719, TGCTC replaced by GGTT on the plus strand (GAGCA replaced by AACC on the coding strand, the reverse complement: SCN4A is on the minus strand). VCF-style: chr17-63971715-TGCTC-GGTT. GRCh37 (hg19) VCF-style: chr17-62049075-TGCTC-GGTT.
Identifiers: ClinVar variation 2099689 (VCV002099689.4), dbSNP rs2509323963, ClinGen allele CA2580094625.